The following continues an entry in ClinVar:

NM_000059.4(BRCA2):c.51_52del (p.Arg18fs)

Gene: BRCA2. ClinVar aggregate classification (germline): Pathogenic. Pathogenic (1).

Submissions 9 to 13 of 13:

GeneKor MSA
Classification: Pathogenic for Familial cancer of breast. Last evaluated: 2016-07-01. Review status: criteria provided, single submitter. Criteria: ACMG Guidelines, 2015. Collection method: clinical testing. Allele origin: germline. Affected: yes. Not counted in ClinVar's aggregate classification.

Consortium of Investigators of Modifiers of BRCA1/2 (CIMBA), c/o University of Cambridge
Classification: Pathogenic for Breast-ovarian cancer, familial, susceptibility to, 2. Last evaluated: 2015-10-02. Review status: criteria provided, single submitter. Criteria: CIMBA Mutation Classification guidelines May 2016. Collection method: clinical testing. Allele origin: germline. Not counted in ClinVar's aggregate classification.

Research Molecular Genetics Laboratory, Women's College Hospital, University of Toronto
Classification: Pathogenic for Hereditary breast ovarian cancer syndrome. Last evaluated: 2014-01-31. Review status: no assertion criteria provided. Collection method: research. Allele origin: germline. Affected: yes. Study: The Canadian Open Genetics Repository (COGR). Not counted in ClinVar's aggregate classification.

Breast Cancer Information Core (BIC) (BRCA2)
Classification: Pathogenic for Breast-ovarian cancer, familial 2. Last evaluated: 2002-05-29. Review status: no assertion criteria provided. Collection method: clinical testing. Allele origin: germline, unknown. Affected: yes. Observed: 5 variant alleles. Not counted in ClinVar's aggregate classification.

Department of Pathology and Laboratory Medicine, Sinai Health System
Classification: Pathogenic for Malignant tumor of breast. Review status: no assertion criteria provided. Collection method: clinical testing. Allele origin: unknown. Affected: yes. Study: The Canadian Open Genetics Repository (COGR). Not counted in ClinVar's aggregate classification.
Comment: The p.Arg18LeufsX12 variant was identified in 2 of 1974 proband chromosomes (frequency: 0.001) from individuals or families with breast cancer (Finkelman 2012, Tavtigian 1996). The variant was also identified in dbSNP (ID: rs80359483) â€šÃ„ÃºWith pathogenic alleleâ€šÃ„Ã¹, HGMD, LOVD, the ClinVar database (classified as a pathogenic variant by BIC and Ambry Genetics), and the BIC database (5X with clinical importance). A functional assay by Kuznetsov (2008) found that this mutation could not rescue mouse embryonic stem cell lethality, supporting its deleterious phenotype. The p.Arg18LeufsX12 deletion variant is predicted to cause a frameshift, which alters the protein's amino acid sequence beginning at codon 18 and leads to a premature stop codon 12 codons downstream. This alteration is then predicted to result in a truncated or absent protein and loss of function. Loss of function variants of the BRCA2 gene are an established mechanism of disease in hereditary breast and ovarian cancer and is the type of variant expected to cause the disorder. In summary, based on the above information, this variant meets our laboratoryâ€šÃ„Ã´s criteria to be classified as pathogenic.

Literature cited by the submitters: PubMed 20104584 (cited by Labcorp Genetics (formerly Invitae), Labcorp and Laboratory for Molecular Medicine, Mass General Brigham Personalized Medicine); PubMed 8589730 (cited by 4 submitters); PubMed 26534844 (cited by Labcorp Genetics (formerly Invitae), Labcorp and Laboratory for Molecular Medicine, Mass General Brigham Personalized Medicine); PubMed 28324225 (cited by 3 submitters); PubMed 9245992 (cited by Laboratory for Molecular Medicine, Mass General Brigham Personalized Medicine and Women's Health and Genetics/Laboratory Corporation of America, LabCorp); PubMed 18607349 (cited by Laboratory for Molecular Medicine, Mass General Brigham Personalized Medicine and Ambry Genetics); PubMed 18092194 (cited by Laboratory for Molecular Medicine, Mass General Brigham Personalized Medicine and Women's Health and Genetics/Laboratory Corporation of America, LabCorp); PubMed 22430266 (cited by 3 submitters); PubMed 29446198 (cited by Laboratory for Molecular Medicine, Mass General Brigham Personalized Medicine and Women's Health and Genetics/Laboratory Corporation of America, LabCorp); PubMed 30736435 (cited by Laboratory for Molecular Medicine, Mass General Brigham Personalized Medicine); PubMed 31742824 (cited by Laboratory for Molecular Medicine, Mass General Brigham Personalized Medicine); PubMed 10070953 (cited by 3 submitters); PubMed 20927582 (cited by Laboratory for Molecular Medicine, Mass General Brigham Personalized Medicine and Ambry Genetics); PubMed 34072659 (cited by Laboratory for Molecular Medicine, Mass General Brigham Personalized Medicine).